The following is an entry in ClinVar:

NM_001130438.3(SPTAN1):c.7075T>C (p.Ser2359Pro)

Gene: SPTAN1 (spectrin alpha, non-erythrocytic 1; plus strand). Cytogenetic location: 9q34.11.
Variant type: single nucleotide variant.
Coding change: c.7075T>C on transcript NM_001130438.3 (MANE Select); coding-DNA position 7075, T replaced by C.
Protein change: p.Ser2359Pro; replaces serine 2359 with proline.
Molecular consequence: missense variant.
Genome position (GRCh38, 1-based): chr9:128,632,633, T>C. VCF-style: chr9-128632633-T-C. GRCh37 (hg19) VCF-style: chr9-131394912-T-C.
Other names: c.7000T>C, p.Ser2334Pro (NM_001195532.2); c.7138T>C, p.Ser2380Pro (NM_001363759.2); c.7015T>C, p.Ser2339Pro (NM_001363765.2, NM_001375314.2); c.7162T>C, p.Ser2388Pro (NM_001375310.1); c.7075T>C, p.Ser2359Pro (NM_001375311.2); c.7111T>C, p.Ser2371Pro (NM_001375312.2); c.7057T>C, p.Ser2353Pro (NM_001375313.1); c.7174T>C, p.Ser2392Pro (NM_001375318.1); and 1 more; short protein forms S2334P, S2339P, S2353P, S2354P, S2359P, S2371P, S2380P, S2388P.
Identifiers: ClinVar variation 1303629 (VCV001303629.3), dbSNP rs2132100320, ClinGen allele CA375100591.

ClinVar aggregate classification (germline): Uncertain significance. Review status: criteria provided, multiple submitters, no conflicts (2 of 4 stars). 2 submissions from 2 submitters: Uncertain significance (2). Last evaluated 2019-08-28.

Submissions (2):

Blueprint Genetics
Classification: Uncertain significance. Last evaluated: 2019-08-28. Review status: criteria provided, single submitter. Criteria: ACMG Guidelines, 2015. Collection method: clinical testing. Allele origin: germline.

GeneDx
Classification: Uncertain significance. Last evaluated: 2019-04-05. Review status: criteria provided, single submitter. Criteria: GeneDx Variant Classification Process June 2021. Collection method: clinical testing. Allele origin: germline. Affected: yes.
Comment: Not observed in large population cohorts (Lek et al., 2016); In silico analysis, which includes protein predictors and evolutionary conservation, supports a deleterious effect; Has not been previously published as pathogenic or benign to our knowledge; Previously reported pathogenic variants in SPTAN1 include in-frame deletions or duplications located within the last four spectrin repeats of the protein, which are essential for dimerization (Saitsu et al., 2010), and the S2359P residue is outside this region.